The following is an entry in ClinVar:

NM_003036.4(SKI):c.157A>C (p.Lys53Gln)

Gene: SKI (SKI proto-oncogene; plus strand). Cytogenetic location: 1p36.33.
Variant type: single nucleotide variant.
Coding change: c.157A>C on transcript NM_003036.4 (MANE Select); coding-DNA position 157, A replaced by C.
Protein change: p.Lys53Gln; replaces lysine 53 with glutamine.
Molecular consequence: missense variant.
Genome position (GRCh38, 1-based): chr1:2,228,923, A>C. VCF-style: chr1-2228923-A-C. GRCh37 (hg19) VCF-style: chr1-2160362-A-C.
Other names: short protein forms K53Q.
Identifiers: ClinVar variation 1978299 (VCV001978299.4), dbSNP rs2527575965, ClinGen allele CA337952211.

ClinVar aggregate classification (germline): Uncertain significance (1 of 4 stars; one submission).

Conditions:
Shprintzen-Goldberg syndrome (SGS). Also called: SHPRINTZEN-GOLDBERG CRANIOSYNOSTOSIS SYNDROME; CRANIOSYNOSTOSIS WITH ARACHNODACTYLY AND ABDOMINAL HERNIAS; Marfanoid disorder with craniosynostosis type 1; Marfanoid craniosynostosis syndrome; Shprintzen-Goldberg marfanoid syndrome. Identifiers: Orphanet 2462, MedGen C1321551, MONDO:0008426, OMIM 182212.

Submission:

Labcorp Genetics (formerly Invitae), Labcorp
Classification: Uncertain significance for Shprintzen-Goldberg syndrome. Last evaluated: 2022-09-25. Review status: criteria provided, single submitter. Criteria: Invitae Variant Classification Sherloc (09022015). Collection method: clinical testing. Allele origin: germline.
Comment: This sequence change replaces lysine, which is basic and polar, with glutamine, which is neutral and polar, at codon 53 of the SKI protein (p.Lys53Gln). This variant is not present in population databases (gnomAD no frequency). This variant has not been reported in the literature in individuals affected with SKI-related conditions. Advanced modeling of protein sequence and biophysical properties (such as structural, functional, and spatial information, amino acid conservation, physicochemical variation, residue mobility, and thermodynamic stability) has been performed at Invitae for this missense variant, however the output from this modeling did not meet the statistical confidence thresholds required to predict the impact of this variant on SKI protein function. In summary, the available evidence is currently insufficient to determine the role of this variant in disease. Therefore, it has been classified as a Variant of Uncertain Significance.